The following is an entry in ClinVar:

NM_000231.3(SGCG):c.803C>T (p.Pro268Leu)

Gene: SGCG (sarcoglycan gamma; plus strand). Cytogenetic location: 13q12.12.
Variant type: single nucleotide variant.
Coding change: c.803C>T on transcript NM_000231.3 (MANE Select); coding-DNA position 803, C replaced by T.
Protein change: p.Pro268Leu; replaces proline 268 with leucine.
Molecular consequence: missense variant.
Genome position (GRCh38, 1-based): chr13:23,324,468, C>T. VCF-style: chr13-23324468-C-T. GRCh37 (hg19) VCF-style: chr13-23898607-C-T.
Other names: c.857C>T, p.Pro286Leu (NM_001378244.1); c.803C>T, p.Pro268Leu (NM_001378245.1, NM_001378246.1); short protein forms P268L, P286L.
Identifiers: ClinVar variation 284977 (VCV000284977.14), dbSNP rs143110015, ClinGen allele CA6909851.
Genomic context (GRCh38, chr13:23,324,468, plus strand): 5'-TGCAGGGGACGTGGGGTCCCTCTGGCAGCTCACAGAGCCTCTACGAAATCTGTGTGTGTC[C>T]AGATGGGAAGCTGTACCTGTCTGTGGCCGGTGTGAGCACCACGTGCCAGGAGCACAACCA-3'
Protein context (NP_000222.2, residues 258-278): SQSLYEICVC[Pro268Leu]DGKLYLSVAG

ClinVar aggregate classification (germline): Uncertain significance. Review status: criteria provided, multiple submitters, no conflicts (2 of 4 stars). 5 submissions from 5 submitters: Uncertain significance (4). 1 of the submissions does not count toward it. Last evaluated 2022-06-13.

Conditions:
Autosomal recessive limb-girdle muscular dystrophy type 2C (LGMDR5). Also called: MUSCULAR DYSTROPHY, LIMB-GIRDLE, AUTOSOMAL RECESSIVE 5; MUSCULAR DYSTROPHY, DUCHENNE-LIKE. Identifiers: Orphanet 353, MedGen C0410173, MONDO:0009677, OMIM 253700. Disease mechanism: Affects gamma-sarcoglycan and also disrupts the integrity of the entire sarcoglycan complex..

Allele frequency attached by ClinVar (database versions not stated): gnomAD exomes 0.00001 and 0.00002; ExAC 0.00002; gnomAD 0.00012 and 0.00014; TOPMed 0.00015; ESP Exome Variant Server 0.00023.
gnomAD v4.1: 28 of 1,613,834 alleles (0.0017%); highest among the groups gnomAD compares: African/African-American, 0.033%; no homozygotes.

Submissions (5):

Labcorp Genetics (formerly Invitae), Labcorp
Classification: Uncertain significance for Autosomal recessive limb-girdle muscular dystrophy type 2C. Last evaluated: 2022-06-13. Review status: criteria provided, single submitter. Criteria: Invitae Variant Classification Sherloc (09022015). Collection method: clinical testing. Allele origin: germline.
Comment: This sequence change replaces proline, which is neutral and non-polar, with leucine, which is neutral and non-polar, at codon 268 of the SGCG protein (p.Pro268Leu). The frequency data for this variant in the population databases is considered unreliable, as metrics indicate poor data quality at this position in the gnomAD database. This variant has not been reported in the literature in individuals affected with SGCG-related conditions. ClinVar contains an entry for this variant (Variation ID: 284977). Algorithms developed to predict the effect of missense changes on protein structure and function are either unavailable or do not agree on the potential impact of this missense change (SIFT: "Tolerated"; PolyPhen-2: "Possibly Damaging"; Align-GVGD: "Class C0"). In summary, the available evidence is currently insufficient to determine the role of this variant in disease. Therefore, it has been classified as a Variant of Uncertain Significance.

Revvity Omics, Revvity
Classification: Uncertain significance for Autosomal recessive limb-girdle muscular dystrophy type 2C. Last evaluated: 2021-09-27. Review status: criteria provided, single submitter. Criteria: ACMG Guidelines, 2015. Collection method: clinical testing. Allele origin: germline.

Athena Diagnostics
Classification: Uncertain significance. Last evaluated: 2020-07-17. Review status: criteria provided, single submitter. Criteria: Athena Diagnostics Criteria. Collection method: clinical testing. Allele origin: unknown.

Eurofins Ntd Llc (ga)
Classification: Uncertain significance. Last evaluated: 2015-12-11. Review status: criteria provided, single submitter. Criteria: EGL Classification Definitions 2015. Collection method: clinical testing. Allele origin: germline. Observed: 2 variant alleles, 2 heterozygotes.

Natera, Inc.
Classification: Uncertain significance for Limb-girdle muscular dystrophy type 2C. Last evaluated: 2020-01-27. Review status: no assertion criteria provided. Collection method: clinical testing. Allele origin: germline. Not counted in ClinVar's aggregate classification.